The following is an entry in ClinVar:

NM_002439.5(MSH3):c.1219G>A (p.Asp407Asn)

Gene: MSH3 (mutS homolog 3; plus strand). Cytogenetic location: 5q14.1.
Variant type: single nucleotide variant.
Coding change: c.1219G>A on transcript NM_002439.5 (MANE Select); coding-DNA position 1219, G replaced by A.
Protein change: p.Asp407Asn; replaces aspartic acid 407 with asparagine.
Molecular consequence: missense variant.
Genome position (GRCh38, 1-based): chr5:80,678,972, G>A. VCF-style: chr5-80678972-G-A. GRCh37 (hg19) VCF-style: chr5-79974791-G-A.
Other names: short protein forms D407N.
Identifiers: ClinVar variation 3726117 (VCV003726117.2).

ClinVar aggregate classification (germline): Uncertain significance (1 of 4 stars; one submission).

Submission:

Labcorp Genetics (formerly Invitae), Labcorp
Classification: Uncertain significance. Last evaluated: 2024-11-27. Review status: criteria provided, single submitter. Criteria: Invitae Variant Classification Sherloc (09022015). Collection method: clinical testing. Allele origin: germline.
Comment: This sequence change replaces aspartic acid, which is acidic and polar, with asparagine, which is neutral and polar, at codon 407 of the MSH3 protein (p.Asp407Asn). This variant is not present in population databases (gnomAD no frequency). This variant has not been reported in the literature in individuals affected with MSH3-related conditions. An algorithm developed to predict the effect of missense changes on protein structure and function (PolyPhen-2) suggests that this variant is likely to be disruptive. In summary, the available evidence is currently insufficient to determine the role of this variant in disease. Therefore, it has been classified as a Variant of Uncertain Significance.